The following is an entry in ClinVar:

ClinVar aggregate classification (germline): Uncertain significance (1 of 4 stars; one submission).

gnomAD v4.1: 2 of 1,397,156 alleles (0.00014%); highest among the groups gnomAD compares: South Asian, 0.0014%; no homozygotes.

Submission:

Labcorp Genetics (formerly Invitae), Labcorp
Classification: Uncertain significance. Last evaluated: 2022-03-09. Review status: criteria provided, single submitter. Criteria: Invitae Variant Classification Sherloc (09022015). Collection method: clinical testing. Allele origin: germline.
Comment: This variant is not present in population databases (gnomAD no frequency). In summary, the available evidence is currently insufficient to determine the role of this variant in disease. Therefore, it has been classified as a Variant of Uncertain Significance. Advanced modeling of protein sequence and biophysical properties (such as structural, functional, and spatial information, amino acid conservation, physicochemical variation, residue mobility, and thermodynamic stability) performed at Invitae indicates that this missense variant is not expected to disrupt COL9A3 protein function. This variant has not been reported in the literature in individuals affected with COL9A3-related conditions. This sequence change replaces alanine, which is neutral and non-polar, with glutamic acid, which is acidic and polar, at codon 21 of the COL9A3 protein (p.Ala21Glu).

NM_001853.4(COL9A3):c.62C>A (p.Ala21Glu)

Gene: COL9A3 (collagen type IX alpha 3 chain; plus strand). Cytogenetic location: 20q13.33.
Variant type: single nucleotide variant.
Coding change: c.62C>A on transcript NM_001853.4 (MANE Select); coding-DNA position 62, C replaced by A.
Protein change: p.Ala21Glu; replaces alanine 21 with glutamic acid.
Molecular consequence: missense variant.
Genome position (GRCh38, 1-based): chr20:62,817,126, C>A. VCF-style: chr20-62817126-C-A. GRCh37 (hg19) VCF-style: chr20-61448478-C-A.
Other names: short protein forms A21E.
Identifiers: ClinVar variation 2056783 (VCV002056783.4), dbSNP rs2516015960, ClinGen allele CA409586909.
Genomic context (GRCh38, chr20:62,817,126, plus strand): 5'-TGGCCGGGCCGCGCGCGTGCGCCCCGCTCCTGCTCCTGCTCCTGCTCGGGGAGCTTCTGG[C>A]GGCCGCCGGGGCGCAGGTGAGCGCGAGCTCCGGGCTCTGAGGCTGGACGTGGAGCCGCGA-3'
Protein context (NP_001844.3, residues 11-31): LLLLLLGELL[Ala21Glu]AAGAQRVGLP